The following is an entry in ClinVar:

NM_030973.4(MED25):c.1141C>T (p.Pro381Ser)

Gene: MED25 (mediator complex subunit 25; plus strand). Cytogenetic location: 19q13.33.
Variant type: single nucleotide variant.
Coding change: c.1141C>T on transcript NM_030973.4 (MANE Select); coding-DNA position 1141, C replaced by T.
Protein change: p.Pro381Ser; replaces proline 381 with serine.
Molecular consequence: missense variant.
Genome position (GRCh38, 1-based): chr19:49,831,372, C>T. VCF-style: chr19-49831372-C-T. GRCh37 (hg19) VCF-style: chr19-50334629-C-T.
Other names: c.1141C>T, p.Pro381Ser (NM_001378355.1); short protein forms P381S.
Identifiers: ClinVar variation 1410405 (VCV001410405.5), dbSNP rs751399299, ClinGen allele CA309516895.

ClinVar aggregate classification (germline): Uncertain significance (1 of 4 stars; one submission).

Conditions:
Charcot-Marie-Tooth disease type 2. Also called: Charcot-Marie-Tooth type 2. Identifiers: Orphanet 64746, MedGen C0270914, MONDO:0018993.

Allele frequency attached by ClinVar (database versions not stated): gnomAD 0.00003.
gnomAD v4.1: 4 of 1,611,226 alleles (0.00025%); highest among the groups gnomAD compares: African/African-American, 0.0053%; no homozygotes.

Submission:

Labcorp Genetics (formerly Invitae), Labcorp
Classification: Uncertain significance for Charcot-Marie-Tooth disease type 2. Last evaluated: 2021-09-01. Review status: criteria provided, single submitter. Criteria: Invitae Variant Classification Sherloc (09022015). Collection method: clinical testing. Allele origin: germline.
Comment: This sequence change replaces proline with serine at codon 381 of the MED25 protein (p.Pro381Ser). The proline residue is moderately conserved and there is a moderate physicochemical difference between proline and serine. This variant is not present in population databases (ExAC no frequency). This variant has not been reported in the literature in individuals affected with MED25-related conditions. Algorithms developed to predict the effect of missense changes on protein structure and function output the following: SIFT: "Deleterious"; PolyPhen-2: "Benign"; Align-GVGD: "Class C0". The serine amino acid residue is found in multiple mammalian species, which suggests that this missense change does not adversely affect protein function. In summary, the available evidence is currently insufficient to determine the role of this variant in disease. Therefore, it has been classified as a Variant of Uncertain Significance.